The following is an entry in ClinVar:

NM_006757.4(TNNT3):c.271G>A (p.Ala91Thr)

Gene: TNNT3 (troponin T3, fast skeletal type; plus strand). Cytogenetic location: 11p15.5.
Variant type: single nucleotide variant.
Coding change: c.271G>A on transcript NM_006757.4 (MANE Select); coding-DNA position 271, G replaced by A.
Protein change: p.Ala91Thr; replaces alanine 91 with threonine.
Molecular consequence: missense variant.
Genome position (GRCh38, 1-based): chr11:1,933,820, G>A. VCF-style: chr11-1933820-G-A. GRCh37 (hg19) VCF-style: chr11-1955050-G-A.
Other names: c.247G>A, p.Ala83Thr (NM_001042780.3, NM_001042782.3, NM_001297646.2 and 2 more transcripts); c.265G>A, p.Ala89Thr (NM_001042781.3, NM_001367842.1, NM_001367843.1); c.280G>A, p.Ala94Thr (NM_001363561.2, NM_001367847.1); c.304G>A, p.Ala102Thr (NM_001367846.1); c.268G>A, p.Ala90Thr (NM_001367848.1); c.259G>A, p.Ala87Thr (NM_001367849.1); c.214G>A, p.Ala72Thr (NM_001367850.1); c.67G>A, p.Ala23Thr (NM_001367851.1, NM_001367852.1); and 1 more; short protein forms A23T, A72T, A83T, A87T, A90T, A91T, A94T, A102T.
Identifiers: ClinVar variation 1921744 (VCV001921744.6), dbSNP rs772808983, ClinGen allele CA5816407.

ClinVar aggregate classification (germline): Uncertain significance. Review status: criteria provided, multiple submitters, no conflicts (2 of 4 stars). 2 submissions from 2 submitters: Uncertain significance (2). Last evaluated 2024-10-16.

Conditions:
Inborn genetic diseases. Identifiers: MedGen C0950123, MeSH D030342.

Allele frequency attached by ClinVar (database versions not stated): gnomAD 0.00001; ExAC 0.00002.

Submissions (2):

Ambry Genetics
Classification: Uncertain significance for Inborn genetic diseases. Last evaluated: 2024-10-16. Review status: criteria provided, single submitter. Criteria: Ambry Variant Classification Scheme 2023. Collection method: clinical testing. Allele origin: germline.

Labcorp Genetics (formerly Invitae), Labcorp
Classification: Uncertain significance. Last evaluated: 2024-09-05. Review status: criteria provided, single submitter. Criteria: Invitae Variant Classification Sherloc (09022015). Collection method: clinical testing. Allele origin: germline.
Comment: This sequence change replaces alanine, which is neutral and non-polar, with threonine, which is neutral and polar, at codon 91 of the TNNT3 protein (p.Ala91Thr). This variant is present in population databases (rs772808983, gnomAD 0.0009%). This variant has not been reported in the literature in individuals affected with TNNT3-related conditions. ClinVar contains an entry for this variant (Variation ID: 1921744). An algorithm developed to predict the effect of missense changes on protein structure and function (PolyPhen-2) suggests that this variant is likely to be tolerated. In summary, the available evidence is currently insufficient to determine the role of this variant in disease. Therefore, it has been classified as a Variant of Uncertain Significance.